The following is an entry in ClinVar:

NM_002227.4(JAK1):c.3369+4T>G

Gene: JAK1 (Janus kinase 1; minus strand). Cytogenetic location: 1p31.3.
Variant type: single nucleotide variant.
Coding change: c.3369+4T>G on transcript NM_002227.4 (MANE Select); 4 bases into the intron after coding-DNA position 3369, T replaced by G.
Molecular consequence: intron variant.
Genome position (GRCh38, 1-based): chr1:64,835,392, A>C on the plus strand (T>G on the coding strand, the complement: JAK1 is on the minus strand). VCF-style: chr1-64835392-A-C. GRCh37 (hg19) VCF-style: chr1-65301075-A-C.
Other names: c.3369+4T>G (NM_001321852.2, NM_001321854.2, NM_001321853.2 and 3 more transcripts); c.3366+4T>G (NM_001321857.2).
Identifiers: ClinVar variation 2081073 (VCV002081073.4), dbSNP rs751396065, ClinGen allele CA2580063158.

ClinVar aggregate classification (germline): Uncertain significance (1 of 4 stars; one submission).

Submission:

Labcorp Genetics (formerly Invitae), Labcorp
Classification: Uncertain significance. Last evaluated: 2022-03-18. Review status: criteria provided, single submitter. Criteria: Invitae Variant Classification Sherloc (09022015). Collection method: clinical testing. Allele origin: germline.
Comment: This sequence change falls in intron 24 of the JAK1 gene. It does not directly change the encoded amino acid sequence of the JAK1 protein. It affects a nucleotide within the consensus splice site. This variant is not present in population databases (gnomAD no frequency). This variant has not been reported in the literature in individuals affected with JAK1-related conditions. Variants that disrupt the consensus splice site are a relatively common cause of aberrant splicing (PMID: 17576681, 9536098). Algorithms developed to predict the effect of sequence changes on RNA splicing suggest that this variant is not likely to affect RNA splicing. In summary, the available evidence is currently insufficient to determine the role of this variant in disease. Therefore, it has been classified as a Variant of Uncertain Significance.

Literature cited by the submitters: PubMed 17576681; PubMed 9536098.